The following is an entry in ClinVar:

NM_152564.5(VPS13B):c.11438_11450del (p.His3813fs)

Gene: VPS13B (vacuolar protein sorting 13 homolog B; plus strand). Cytogenetic location: 8q22.2.
Variant type: Deletion.
Coding change: c.11438_11450del on transcript NM_152564.5 (MANE Select); coding-DNA positions 11438 to 11450, 13 bases deleted (ATCAGCCAAGTGA).
Protein change: p.His3813fs; shifts the reading frame from histidine 3813.
Molecular consequence: frameshift variant.
Genome position (GRCh38, 1-based): chr8:99,870,830-99,870,842, ATCAGCCAAGTGA deleted. VCF-style (leftmost placement, unchanged base first): chr8-99870829-CATCAGCCAAGTGA-C. GRCh37 (hg19) VCF-style: chr8-100883057-CATCAGCCAAGTGA-C.
Other names: c.11513_11525del, p.His3838fs (NM_017890.5); short protein forms H3813fs, H3838fs.
Identifiers: ClinVar variation 1454854 (VCV001454854.6), dbSNP rs2130972502, ClinGen allele CA2573143504.

ClinVar aggregate classification (germline): Pathogenic (1 of 4 stars; one submission).

Conditions:
Cohen syndrome (COH1). Also called: PEPPER SYNDROME; Cutis verticis gyrata, retinitis pigmentosa, and sensorineural deafness. Identifiers: Orphanet 193, MedGen C0265223, MONDO:0008999, OMIM 216550.

Submission:

Labcorp Genetics (formerly Invitae), Labcorp
Classification: Pathogenic for Cohen syndrome. Last evaluated: 2021-09-29. Review status: criteria provided, single submitter. Criteria: Invitae Variant Classification Sherloc (09022015). Collection method: clinical testing. Allele origin: germline.
Comment: This variant is not present in population databases (ExAC no frequency). This sequence change creates a premature translational stop signal (p.His3838Leufs*36) in the VPS13B gene. It is expected to result in an absent or disrupted protein product. Loss-of-function variants in VPS13B are known to be pathogenic (PMID: 15141358, 16648375, 20461111). This variant has not been reported in the literature in individuals with VPS13B-related conditions. For these reasons, this variant has been classified as Pathogenic.

Literature cited by the submitters: PubMed 15141358; PubMed 16648375; PubMed 20461111.